The following is an entry in ClinVar:

ClinVar aggregate classification (germline): Uncertain significance (1 of 4 stars; one submission).

Conditions:
NOTCH1-related disorder. Also called: NOTCH1-related disorders; NOTCH1-related condition.

gnomAD v4.1: 3 of 1,601,904 alleles (0.00019%); highest among the groups gnomAD compares: Admixed American, 0.0033%; no homozygotes.

Submission:

PreventionGenetics, part of Exact Sciences
Classification: Uncertain significance for NOTCH1-related condition. Last evaluated: 2025-09-18. Review status: criteria provided, single submitter. Criteria: ACMG Guidelines, 2015. Collection method: clinical testing. Allele origin: germline.
Comment: The NOTCH1 c.7249C>T variant is predicted to result in the amino acid substitution p.Pro2417Ser. To our knowledge, this variant has not been reported in the literature. This variant is reported in 0.0029% of alleles in individuals of Latino descent in gnomAD. At this time, the clinical significance of this variant is uncertain due to the absence of conclusive functional and genetic evidence.

NM_017617.5(NOTCH1):c.7249C>T (p.Pro2417Ser)

Gene: NOTCH1 (notch receptor 1; minus strand). Cytogenetic location: 9q34.3.
Variant type: single nucleotide variant.
Coding change: c.7249C>T on transcript NM_017617.5 (MANE Select); coding-DNA position 7249, C replaced by T.
Protein change: p.Pro2417Ser; replaces proline 2417 with serine.
Molecular consequence: missense variant.
Genome position (GRCh38, 1-based): chr9:136,496,490, G>A on the plus strand (C>T on the coding strand, the complement: NOTCH1 is on the minus strand). VCF-style: chr9-136496490-G-A. GRCh37 (hg19) VCF-style: chr9-139390942-G-A.
Other names: short protein forms P2417S.
Identifiers: ClinVar variation 4995504 (VCV004995504.1).